The following is an entry in ClinVar:

ClinVar aggregate classification (germline): Uncertain significance. Review status: criteria provided, multiple submitters, no conflicts (2 of 4 stars). 2 submissions from 2 submitters: Uncertain significance (2). Last evaluated 2025-11-06.

Conditions:
Neutropenia, severe congenital, 2, autosomal dominant. Identifiers: Orphanet 486, MedGen C2751288, MONDO:0013139, OMIM 613107.

Allele frequency attached by ClinVar (database versions not stated): ExAC 0.00001; TOPMed 0.00001.
gnomAD v4.1: 7 of 1,613,994 alleles (0.00043%); highest among the groups gnomAD compares: Non-Finnish European, 0.00034%; no homozygotes.

Submissions (2):

Ambry Genetics
Classification: Uncertain significance. Last evaluated: 2025-11-06. Review status: criteria provided, single submitter. Criteria: Ambry Variant Classification Scheme 2023. Collection method: clinical testing. Allele origin: germline.

Labcorp Genetics (formerly Invitae), Labcorp
Classification: Uncertain significance for Neutropenia, severe congenital, 2, autosomal dominant. Last evaluated: 2022-05-15. Review status: criteria provided, single submitter. Criteria: Invitae Variant Classification Sherloc (09022015). Collection method: clinical testing. Allele origin: germline.
Comment: This sequence change replaces arginine, which is basic and polar, with tryptophan, which is neutral and slightly polar, at codon 338 of the GFI1 protein (p.Arg338Trp). In summary, the available evidence is currently insufficient to determine the role of this variant in disease. Therefore, it has been classified as a Variant of Uncertain Significance. Algorithms developed to predict the effect of missense changes on protein structure and function are either unavailable or do not agree on the potential impact of this missense change (SIFT: "Deleterious"; PolyPhen-2: "Probably Damaging"; Align-GVGD: "Class C15"). This variant has not been reported in the literature in individuals affected with GFI1-related conditions. This variant is present in population databases (rs747130172, gnomAD 0.0009%).

NM_005263.5(GFI1):c.1012C>T (p.Arg338Trp)

Gene: GFI1 (growth factor independent 1 transcriptional repressor; minus strand). Cytogenetic location: 1p22.1.
Variant type: single nucleotide variant.
Coding change: c.1012C>T on transcript NM_005263.5 (MANE Select); coding-DNA position 1012, C replaced by T.
Protein change: p.Arg338Trp; replaces arginine 338 with tryptophan.
Molecular consequence: missense variant.
Genome position (GRCh38, 1-based): chr1:92,478,666, G>A on the plus strand (C>T on the coding strand, the complement: GFI1 is on the minus strand). VCF-style: chr1-92478666-G-A. GRCh37 (hg19) VCF-style: chr1-92944223-G-A.
Other names: c.1012C>T, p.Arg338Trp (NM_001127215.3, NM_001127216.3); short protein forms R338W.
Identifiers: ClinVar variation 1933939 (VCV001933939.7), dbSNP rs747130172, ClinGen allele CA951259.
Genomic context (GRCh38, chr1:92,478,666, plus strand): 5'-GTTTCTTCATGTCTGACTTCTGGTGGAACCTCTTGCCACAGTACTGACAGGGGTAGGGCC[G>A]AGTGTCTGAGTGGATAAGCAGGTGTGTGGACAGTGTGGATGACCTCTTGAAGCTCTTCCC-3'
Protein context (NP_005254.2, residues 328-348): STHLLIHSDT[Arg338Trp]PYPCQYCGKR